The following is an entry in ClinVar:

NM_000193.4(SHH):c.707G>A (p.Ser236Asn)

Gene: SHH (sonic hedgehog signaling molecule; minus strand). Cytogenetic location: 7q36.3.
Variant type: single nucleotide variant.
Coding change: c.707G>A on transcript NM_000193.4 (MANE Select); coding-DNA position 707, G replaced by A.
Protein change: p.Ser236Asn; replaces serine 236 with asparagine.
Molecular consequence: missense variant. On other transcripts: intron variant (1).
Genome position (GRCh38, 1-based): chr7:155,803,582, C>T on the plus strand (G>A on the coding strand, the complement: SHH is on the minus strand). VCF-style: chr7-155803582-C-T. GRCh37 (hg19) VCF-style: chr7-155596276-C-T.
Other names: c.301+2714G>A (NM_001310462.2); short protein forms S236N.
Identifiers: ClinVar variation 3253271 (VCV003253271.2), dbSNP rs2535894330.

ClinVar aggregate classification (germline): Conflicting classifications of pathogenicity. Review status: criteria provided, conflicting classifications (1 of 4 stars). 2 submissions from 2 submitters: Likely pathogenic (1); Uncertain significance (1). Last evaluated 2025-02-27.

Conditions:
Holoprosencephaly 3 (HPE3). Identifiers: Orphanet 2162, MedGen C1840529, MONDO:0007733, OMIM 142945.

Submissions (2):

Laboratory of Molecular Genetics, CHU Rennes
Classification: Likely pathogenic for Holoprosencephaly 3. Last evaluated: 2025-02-27. Review status: criteria provided, single submitter. Criteria: ACMG Guidelines, 2015. Collection method: clinical testing. Allele origin: maternal. Inheritance: Oligogenic inheritance. Affected: yes.
Comment: The NM_000193.4:c.707G>A, is a missense variant in SHH in the Hint domain (PM1), absent from controls (PM2), predicted pathogenic by prediction tools (PP3).

GeneDx
Classification: Uncertain significance. Last evaluated: 2023-12-20. Review status: criteria provided, single submitter. Criteria: GeneDx Variant Classification Process June 2021. Collection method: clinical testing. Allele origin: germline. Affected: yes.
Comment: Reported previously in a patient with holoprosencephaly; however, no further clinical or segregation information was provided (PMID: 19603532); Published functional studies in zebrafish models show that this variant is essentially normal (PMID: 32939873); In silico analysis supports that this missense variant does not alter protein structure/function; Not observed at significant frequency in large population cohorts (gnomAD); This variant is associated with the following publications: (PMID: 19603532, 32939873)